The following is an entry in ClinVar:

ClinVar aggregate classification (germline): Uncertain significance. Review status: criteria provided, multiple submitters, no conflicts (2 of 4 stars). 2 submissions from 2 submitters: Uncertain significance (2). Last evaluated 2024-10-09.

Conditions:
Inborn genetic diseases. Identifiers: MedGen C0950123, MeSH D030342.

Allele frequency attached by ClinVar (database versions not stated): TOPMed 0.00002; gnomAD exomes 0.00004; ExAC 0.00002; gnomAD 0.00001.
gnomAD v4.1: 15 of 1,614,038 alleles (0.00093%); highest among the groups gnomAD compares: Admixed American, 0.018%; 1 homozygote.

Submissions (2):

Ambry Genetics
Classification: Uncertain significance for Inborn genetic diseases. Last evaluated: 2024-10-09. Review status: criteria provided, single submitter. Criteria: Ambry Variant Classification Scheme 2023. Collection method: clinical testing. Allele origin: germline.

Labcorp Genetics (formerly Invitae), Labcorp
Classification: Uncertain significance. Last evaluated: 2022-10-05. Review status: criteria provided, single submitter. Criteria: Invitae Variant Classification Sherloc (09022015). Collection method: clinical testing. Allele origin: germline.
Comment: In summary, the available evidence is currently insufficient to determine the role of this variant in disease. Therefore, it has been classified as a Variant of Uncertain Significance. Algorithms developed to predict the effect of missense changes on protein structure and function are either unavailable or do not agree on the potential impact of this missense change (SIFT: "Deleterious"; PolyPhen-2: "Probably Damaging"; Align-GVGD: "Class C0"). ClinVar contains an entry for this variant (Variation ID: 1428321). This variant has not been reported in the literature in individuals affected with TUBGCP6-related conditions. This variant is present in population databases (rs202112234, gnomAD 0.02%), including at least one homozygous and/or hemizygous individual. This sequence change replaces cysteine, which is neutral and slightly polar, with arginine, which is basic and polar, at codon 583 of the TUBGCP6 protein (p.Cys583Arg).

NM_020461.4(TUBGCP6):c.1747T>C (p.Cys583Arg)

Gene: TUBGCP6 (tubulin gamma complex component 6; minus strand). Cytogenetic location: 22q13.33.
Variant type: single nucleotide variant.
Coding change: c.1747T>C on transcript NM_020461.4 (MANE Select); coding-DNA position 1747, T replaced by C.
Protein change: p.Cys583Arg; replaces cysteine 583 with arginine.
Molecular consequence: missense variant.
Genome position (GRCh38, 1-based): chr22:50,226,136, A>G on the plus strand (T>C on the coding strand, the complement: TUBGCP6 is on the minus strand). VCF-style: chr22-50226136-A-G. GRCh37 (hg19) VCF-style: chr22-50664565-A-G.
Other names: c.1747T>C (NM_020461.3); short protein forms C583R.
Identifiers: ClinVar variation 1428321 (VCV001428321.5), dbSNP rs202112234, ClinGen allele CA10308527.